The following is an entry in ClinVar:

NM_000937.5(POLR2A):c.1228A>T (p.Asn410Tyr)

Gene: POLR2A (RNA polymerase II subunit A; plus strand). Cytogenetic location: 17p13.1.
Variant type: single nucleotide variant.
Coding change: c.1228A>T on transcript NM_000937.5 (MANE Select); coding-DNA position 1228, A replaced by T.
Protein change: p.Asn410Tyr; replaces asparagine 410 with tyrosine.
Molecular consequence: missense variant.
Genome position (GRCh38, 1-based): chr17:7,498,103, A>T. VCF-style: chr17-7498103-A-T. GRCh37 (hg19) VCF-style: chr17-7401422-A-T.
Other names: short protein forms N410Y.
Identifiers: ClinVar variation 3381396 (VCV003381396.2).

ClinVar aggregate classification (germline): Likely pathogenic (1 of 4 stars; one submission).

Submission:

GeneDx
Classification: Likely pathogenic. Last evaluated: 2024-11-27. Review status: criteria provided, single submitter. Criteria: GeneDx Variant Classification Process June 2021. Collection method: clinical testing. Allele origin: germline.
Comment: Not observed at significant frequency in large population cohorts (gnomAD); Has not been previously published as pathogenic or benign to our knowledge